The following is an entry in ClinVar:

ClinVar aggregate classification (germline): Conflicting classifications of pathogenicity. Review status: criteria provided, conflicting classifications (1 of 4 stars). 3 submissions from 3 submitters: Uncertain significance (2); Likely benign (1). Last evaluated 2026-03-02.

Conditions:
TECTA-related disorder. Also called: TECTA-related condition.

Allele frequency attached by ClinVar (database versions not stated): gnomAD exomes 0.00013; 1000 Genomes Project 0.00020; 1000 Genomes Project 30x 0.00031; ESP Exome Variant Server 0.00008; ExAC 0.00009; gnomAD 0.00009 and 0.00011; TOPMed 0.00012.
gnomAD v4.1: 209 of 1,600,668 alleles (0.013%); highest among the groups gnomAD compares: Admixed American, 0.033%; no homozygotes.

Submissions (3):

PreventionGenetics, part of Exact Sciences
Classification: Uncertain significance for TECTA-related condition. Last evaluated: 2026-03-02. Review status: criteria provided, single submitter. Criteria: ACMG Guidelines, 2015. Collection method: clinical testing. Allele origin: germline.
Comment: The TECTA c.2266A>G variant is predicted to result in the amino acid substitution p.Lys756Glu. This variant was reported in two individuals with non-syndromic hearing loss either with or without a second potentially causative TECTA variant, although in both cases pathogenicity was not clearly established (Data Supplement 2, Shearer. 2013. PubMed ID: 23804846; Lee et al. 2024. PubMed ID: 39062005). This variant is reported in 0.042% of alleles in individuals of Latino descent in gnomAD. At this time, the clinical significance of this variant is uncertain due to the absence of conclusive functional and genetic evidence.

Labcorp Genetics (formerly Invitae), Labcorp
Classification: Likely benign. Last evaluated: 2025-03-17. Review status: criteria provided, single submitter. Criteria: Invitae Variant Classification Sherloc (09022015). Collection method: clinical testing. Allele origin: germline.

GeneDx
Classification: Uncertain significance. Last evaluated: 2024-12-02. Review status: criteria provided, single submitter. Criteria: GeneDx Variant Classification Process June 2021. Collection method: clinical testing. Allele origin: germline. Affected: yes.
Comment: Observed with a second TECTA variant in a patient with congenital hearing loss in the published literature, but it is not known whether the variants occurred on the same (in cis) or on different (in trans) chromosomes (Shearer et al., 2013); In silico analysis indicates that this missense variant does not alter protein structure/function; This variant is associated with the following publications: (PMID: 23804846, 21520338, 31554319, 9590290, 39062005)

NM_005422.4(TECTA):c.2266A>G (p.Lys756Glu)

Genes: TBCEL-TECTA (TBCEL-TECTA readthrough; plus strand), TECTA (tectorin alpha; plus strand). Cytogenetic location: 11q23.3.
Variant type: single nucleotide variant.
Coding change: c.2266A>G on transcript NM_005422.4 (MANE Select); coding-DNA position 2266, A replaced by G.
Protein change: p.Lys756Glu; replaces lysine 756 with glutamic acid.
Molecular consequence: missense variant.
Genome position (GRCh38, 1-based): chr11:121,128,243, A>G. VCF-style: chr11-121128243-A-G. GRCh37 (hg19) VCF-style: chr11-120998952-A-G.
Other names: c.3223A>G, p.Lys1075Glu (NM_001378761.1); short protein forms K1075E, K756E.
Identifiers: ClinVar variation 1303550 (VCV001303550.11), dbSNP rs141420954, ClinGen allele CA6326943.